The following is an entry in ClinVar:

NM_006306.4(SMC1A):c.494C>T (p.Ala165Val)

Gene: SMC1A (structural maintenance of chromosomes 1A; minus strand). Cytogenetic location: Xp11.22.
Variant type: single nucleotide variant.
Coding change: c.494C>T on transcript NM_006306.4 (MANE Select); coding-DNA position 494, C replaced by T.
Protein change: p.Ala165Val; replaces alanine 165 with valine.
Molecular consequence: missense variant.
Genome position (GRCh38, 1-based): chrX:53,413,353, G>A on the plus strand (C>T on the coding strand, the complement: SMC1A is on the minus strand). VCF-style: chrX-53413353-G-A. GRCh37 (hg19) VCF-style: chrX-53440303-G-A.
Other names: c.428C>T, p.Ala143Val (NM_001281463.1); short protein forms A143V, A165V.
Identifiers: ClinVar variation 657285 (VCV000657285.9), dbSNP rs1556890833, ClinGen allele CA413259409.

ClinVar aggregate classification (germline): Uncertain significance. Review status: criteria provided, multiple submitters, no conflicts (2 of 4 stars). 2 submissions from 2 submitters: Uncertain significance (2). Last evaluated 2022-04-21.

Conditions:
Developmental and epileptic encephalopathy, 85, with or without midline brain defects. Also called: EPILEPTIC ENCEPHALOPATHY, EARLY INFANTILE, 85, WITH OR WITHOUT MIDLINE BRAIN DEFECTS. Identifiers: MedGen C5393312, MONDO:0026771, OMIM 301044.
Congenital muscular hypertrophy-cerebral syndrome (CDLS2). Also called: SMC1A-Related Cornelia de Lange Syndrome; Cornelia de Lange syndrome 2. Identifiers: Orphanet 199, MedGen C1802395, MONDO:0010370, OMIM 300590.

Allele frequency attached by ClinVar (database versions not stated): gnomAD 0.00001; gnomAD exomes 0.00001.
gnomAD v4.1: 11 of 1,209,136 alleles (0.00091%); highest among the groups gnomAD compares: African/African-American, 0.0035%; no homozygotes.

Submissions (2):

Fulgent Genetics
Classification: Uncertain significance for Congenital muscular hypertrophy-cerebral syndrome; Developmental and epileptic encephalopathy, 85, with or without midline brain defects. Last evaluated: 2022-04-21. Review status: criteria provided, single submitter. Criteria: ACMG Guidelines, 2015. Collection method: clinical testing. Allele origin: unknown.

Labcorp Genetics (formerly Invitae), Labcorp
Classification: Uncertain significance for Congenital muscular hypertrophy-cerebral syndrome. Last evaluated: 2022-03-19. Review status: criteria provided, single submitter. Criteria: Invitae Variant Classification Sherloc (09022015). Collection method: clinical testing. Allele origin: germline.
Comment: The frequency data for this variant in the population databases is considered unreliable, as metrics indicate poor data quality at this position in the gnomAD database. This sequence change replaces alanine, which is neutral and non-polar, with valine, which is neutral and non-polar, at codon 165 of the SMC1A protein (p.Ala165Val). In summary, the available evidence is currently insufficient to determine the role of this variant in disease. Therefore, it has been classified as a Variant of Uncertain Significance. Advanced modeling of protein sequence and biophysical properties (such as structural, functional, and spatial information, amino acid conservation, physicochemical variation, residue mobility, and thermodynamic stability) performed at Invitae indicates that this missense variant is not expected to disrupt SMC1A protein function. ClinVar contains an entry for this variant (Variation ID: 657285). This variant has not been reported in the literature in individuals affected with SMC1A-related conditions.